The following is an entry in ClinVar:

NM_201253.3(CRB1):c.3386C>T (p.Ser1129Phe)

Gene: CRB1 (crumbs cell polarity complex component 1; plus strand). Cytogenetic location: 1q31.3.
Variant type: single nucleotide variant.
Coding change: c.3386C>T on transcript NM_201253.3 (MANE Select); coding-DNA position 3386, C replaced by T.
Protein change: p.Ser1129Phe; replaces serine 1129 with phenylalanine.
Molecular consequence: missense variant. On other transcripts: non-coding transcript variant (2), intron variant (1).
Genome position (GRCh38, 1-based): chr1:197,435,249, C>T. VCF-style: chr1-197435249-C-T. GRCh37 (hg19) VCF-style: chr1-197404379-C-T.
Other names: c.3050C>T, p.Ser1017Phe (NM_001193640.2); c.3314C>T, p.Ser1105Phe (NM_001257965.2); c.2129-351C>T (NM_001257966.2); short protein forms S1105F, S1017F, S1129F.
Identifiers: ClinVar variation 966717 (VCV000966717.7), dbSNP rs763011436, ClinGen allele CA1312325.
Genomic context (GRCh38, chr1:197,435,249, plus strand): 5'-ACTTTGAAAATGTTCATGGTTTCATTAATAAACCTCAGGAAGAGCAATTTCTCAAAATCT[C>T]TACCAATTCAGTGGTCACTGGCTGTTTGCAGTTAAATGTCTGCAACTCCAACCCCTGTTT-3'
Protein context (NP_957705.1, residues 1119-1139): KPQEEQFLKI[Ser1129Phe]TNSVVTGCLQ

ClinVar aggregate classification (germline): Uncertain significance. Review status: criteria provided, single submitter (1 of 4 stars). 2 submissions from 2 submitters: Uncertain significance (1). 1 of the submissions does not count toward it. Last evaluated 2022-03-09.

Conditions:
Leber congenital amaurosis 8 (LCA8). Identifiers: Orphanet 65, MedGen C3151202, MONDO:0013453, OMIM 613835.
Retinitis pigmentosa 12 (RP12). Also called: RP WITH OR WITHOUT PRESERVED PARAARTERIOLE RETINAL PIGMENT EPITHELIUM; RETINITIS PIGMENTOSA WITH OR WITHOUT PARAARTERIOLAR PRESERVATION OF RETINAL PIGMENT EPITHELIUM; RP WITH OR WITHOUT PPRPE. Identifiers: Orphanet 791, MedGen C1838647, MONDO:0010818, OMIM 600105.
Leber congenital amaurosis (LCA). Also called: Leber's amaurosis. Identifiers: Orphanet 65, MedGen C0339527, MeSH D057130, MONDO:0018998.

Allele frequency attached by ClinVar (database versions not stated): gnomAD exomes below 0.00001 and 0.00001; ExAC 0.00002.
gnomAD v4.1: 2 of 1,613,884 alleles (0.00012%); highest among the groups gnomAD compares: Admixed American, 0.0033%; no homozygotes.

Submissions (2):

Labcorp Genetics (formerly Invitae), Labcorp
Classification: Uncertain significance for Leber congenital amaurosis 8; Retinitis pigmentosa 12. Last evaluated: 2022-03-09. Review status: criteria provided, single submitter. Criteria: Invitae Variant Classification Sherloc (09022015). Collection method: clinical testing. Allele origin: germline.
Comment: This sequence change replaces serine, which is neutral and polar, with phenylalanine, which is neutral and non-polar, at codon 1129 of the CRB1 protein (p.Ser1129Phe). This variant is present in population databases (rs763011436, gnomAD 0.006%). This variant has not been reported in the literature in individuals affected with CRB1-related conditions. ClinVar contains an entry for this variant (Variation ID: 966717). Advanced modeling of protein sequence and biophysical properties (such as structural, functional, and spatial information, amino acid conservation, physicochemical variation, residue mobility, and thermodynamic stability) performed at Invitae indicates that this missense variant is expected to disrupt CRB1 protein function. In summary, the available evidence is currently insufficient to determine the role of this variant in disease. Therefore, it has been classified as a Variant of Uncertain Significance.

Natera, Inc.
Classification: Uncertain significance for Leber congenital amaurosis. Last evaluated: 2020-04-16. Review status: no assertion criteria provided. Collection method: clinical testing. Allele origin: germline. Not counted in ClinVar's aggregate classification.